The following is an entry in ClinVar:

NM_001379286.1(ZNF423):c.2894A>G (p.Lys965Arg)

Gene: ZNF423 (zinc finger protein 423; minus strand). Cytogenetic location: 16q12.1.
Variant type: single nucleotide variant.
Coding change: c.2894A>G on transcript NM_001379286.1 (MANE Select); coding-DNA position 2894, A replaced by G.
Protein change: p.Lys965Arg; replaces lysine 965 with arginine.
Molecular consequence: missense variant.
Genome position (GRCh38, 1-based): chr16:49,636,282, T>C on the plus strand (A>G on the coding strand, the complement: ZNF423 is on the minus strand). VCF-style: chr16-49636282-T-C. GRCh37 (hg19) VCF-style: chr16-49670193-T-C.
Other names: c.2690A>G, p.Lys897Arg (NM_001271620.2); c.2519A>G, p.Lys840Arg (NM_001330533.2); c.2870A>G, p.Lys957Arg (NM_015069.5); c.2870A>G (NM_015069.2); short protein forms K840R, K897R, K957R, K965R.
Identifiers: ClinVar variation 2139922 (VCV002139922.5), dbSNP rs1972698362, ClinGen allele CA395841156.

ClinVar aggregate classification (germline): Uncertain significance. Review status: criteria provided, multiple submitters, no conflicts (2 of 4 stars). 2 submissions from 2 submitters: Uncertain significance (2). Last evaluated 2024-12-17.

Conditions:
Nephronophthisis 14 (NPHP14). Identifiers: Orphanet 2318, MedGen C3539071, MONDO:0013916, OMIM 614844.

Allele frequency attached by ClinVar (database versions not stated): gnomAD exomes below 0.00001; gnomAD 0.00001; TOPMed 0.00001.
gnomAD v4.1: 4 of 1,612,746 alleles (0.00025%); highest among the groups gnomAD compares: Admixed American, 0.0033%; no homozygotes.

Submissions (2):

Ambry Genetics
Classification: Uncertain significance. Last evaluated: 2024-12-17. Review status: criteria provided, single submitter. Criteria: Ambry Variant Classification Scheme 2023. Collection method: clinical testing. Allele origin: germline.

Labcorp Genetics (formerly Invitae), Labcorp
Classification: Uncertain significance for Nephronophthisis 14. Last evaluated: 2022-01-31. Review status: criteria provided, single submitter. Criteria: Invitae Variant Classification Sherloc (09022015). Collection method: clinical testing. Allele origin: germline.
Comment: In summary, the available evidence is currently insufficient to determine the role of this variant in disease. Therefore, it has been classified as a Variant of Uncertain Significance. This sequence change replaces lysine, which is basic and polar, with arginine, which is basic and polar, at codon 957 of the ZNF423 protein (p.Lys957Arg). This variant is not present in population databases (gnomAD no frequency). This variant has not been reported in the literature in individuals affected with ZNF423-related conditions. Algorithms developed to predict the effect of missense changes on protein structure and function are either unavailable or do not agree on the potential impact of this missense change (SIFT: "Tolerated"; PolyPhen-2: "Probably Damaging"; Align-GVGD: "Class C0"). Algorithms developed to predict the effect of sequence changes on RNA splicing suggest that this variant may create or strengthen a splice site.